The following is an entry in ClinVar:

NM_033026.6(PCLO):c.6482C>T (p.Ser2161Leu)

Gene: PCLO (piccolo presynaptic cytomatrix protein; minus strand). Cytogenetic location: 7q21.11.
Variant type: single nucleotide variant.
Coding change: c.6482C>T on transcript NM_033026.6 (MANE Select); coding-DNA position 6482, C replaced by T.
Protein change: p.Ser2161Leu; replaces serine 2161 with leucine.
Molecular consequence: missense variant.
Genome position (GRCh38, 1-based): chr7:82,954,471, G>A on the plus strand (C>T on the coding strand, the complement: PCLO is on the minus strand). VCF-style: chr7-82954471-G-A. GRCh37 (hg19) VCF-style: chr7-82583787-G-A.
Other names: c.6482C>T, p.Ser2161Leu (NM_014510.3); short protein forms S2161L.
Identifiers: ClinVar variation 3695797 (VCV003695797.2).
Genomic context (GRCh38, chr7:82,954,471, plus strand): 5'-GTGTCAGAGGGTGGGACAGATGTAGCACTTTCTGAAGGCTCCGAGTAGGTCAAAATCAGC[G>A]ATTCATGGGCAATTATCTCTTGAATTTCTCTTGTATAATCGGTTACATATTCATCCTCAA-3'
Protein context (NP_149015.2, residues 2151-2171): REIQEIIAHE[Ser2161Leu]LILTYSEPSE

ClinVar aggregate classification (germline): Uncertain significance (1 of 4 stars; one submission).

gnomAD v4.1: 7 of 1,613,924 alleles (0.00043%); highest among the groups gnomAD compares: Non-Finnish European, 0.00051%; no homozygotes.

Submission:

Labcorp Genetics (formerly Invitae), Labcorp
Classification: Uncertain significance. Last evaluated: 2024-06-24. Review status: criteria provided, single submitter. Criteria: Invitae Variant Classification Sherloc (09022015). Collection method: clinical testing. Allele origin: germline.
Comment: This sequence change replaces serine, which is neutral and polar, with leucine, which is neutral and non-polar, at codon 2161 of the PCLO protein (p.Ser2161Leu). This variant is not present in population databases (gnomAD no frequency). This variant has not been reported in the literature in individuals affected with PCLO-related conditions. Experimental studies and prediction algorithms are not available or were not evaluated, and the functional significance of this variant is currently unknown. In summary, the available evidence is currently insufficient to determine the role of this variant in disease. Therefore, it has been classified as a Variant of Uncertain Significance.